The following is an entry in ClinVar:

NM_203446.3(SYNJ1):c.2861T>G (p.Leu954Arg)

Gene: SYNJ1 (synaptojanin 1; minus strand). Cytogenetic location: 21q22.11.
Variant type: single nucleotide variant.
Coding change: c.2861T>G on transcript NM_203446.3 (MANE Select); coding-DNA position 2861, T replaced by G.
Protein change: p.Leu954Arg; replaces leucine 954 with arginine.
Molecular consequence: missense variant.
Genome position (GRCh38, 1-based): chr21:32,653,301, A>C on the plus strand (T>G on the coding strand, the complement: SYNJ1 is on the minus strand). VCF-style: chr21-32653301-A-C. GRCh37 (hg19) VCF-style: chr21-34025611-A-C.
Other names: c.2861T>G, p.Leu954Arg (NM_001160302.2); c.2846T>G, p.Leu949Arg (NM_001160306.2); c.2978T>G, p.Leu993Arg (NM_003895.4); short protein forms L949R, L954R, L993R.
Identifiers: ClinVar variation 1016093 (VCV001016093.8), dbSNP rs755535504, ClinGen allele CA10003565.
Genomic context (GRCh38, chr21:32,653,301, plus strand): 5'-AGACATTTAATTTCAGAATGGTTTAGAATCAACAAATGCTACCTTACCTCTTTACCATTT[A>C]GGCTCAGAACATTCAAGGCAGAGCTTCCCTCCAAAAATGTAACCCACATTTTATCTTCTA-3'
Protein context (NP_982271.3, residues 944-964): EGSSALNVLS[Leu954Arg]NGKELLNRTI

ClinVar aggregate classification (germline): Uncertain significance (1 of 4 stars; one submission).

Conditions:
Early-onset Parkinson disease 20. Also called: PARKINSON DISEASE 20, AUTOSOMAL RECESSIVE EARLY-ONSET. Identifiers: Orphanet 391411, MedGen C3809824, MONDO:0014233, OMIM 615530.
Developmental and epileptic encephalopathy, 53. Also called: Epileptic encephalopathy, early infantile, 53. Identifiers: MedGen C4479313, MONDO:0033362, OMIM 617389.

Allele frequency attached by ClinVar (database versions not stated): gnomAD 0.00004; gnomAD exomes 0.00001 and 0.00002; ExAC 0.00002; TOPMed 0.00003.
gnomAD v4.1: 16 of 1,613,270 alleles (0.00099%); highest among the groups gnomAD compares: African/African-American, 0.0013%; no homozygotes.

Submission:

Labcorp Genetics (formerly Invitae), Labcorp
Classification: Uncertain significance for Developmental and epileptic encephalopathy, 53; Early-onset Parkinson disease 20. Last evaluated: 2024-11-27. Review status: criteria provided, single submitter. Criteria: Invitae Variant Classification Sherloc (09022015). Collection method: clinical testing. Allele origin: germline.
Comment: This sequence change replaces leucine, which is neutral and non-polar, with arginine, which is basic and polar, at codon 993 of the SYNJ1 protein (p.Leu993Arg). This variant is present in population databases (rs755535504, gnomAD 0.007%). This variant has not been reported in the literature in individuals affected with SYNJ1-related conditions. ClinVar contains an entry for this variant (Variation ID: 1016093). Invitae Evidence Modeling of protein sequence and biophysical properties (such as structural, functional, and spatial information, amino acid conservation, physicochemical variation, residue mobility, and thermodynamic stability) indicates that this missense variant is not expected to disrupt SYNJ1 protein function with a negative predictive value of 80%. In summary, the available evidence is currently insufficient to determine the role of this variant in disease. Therefore, it has been classified as a Variant of Uncertain Significance.